The following is an entry in ClinVar:

NM_144997.7(FLCN):c.715C>T (p.Arg239Cys)

Gene: FLCN (folliculin; minus strand). Cytogenetic location: 17p11.2.
Variant type: single nucleotide variant.
Coding change: c.715C>T on transcript NM_144997.7 (MANE Select); coding-DNA position 715, C replaced by T.
Protein change: p.Arg239Cys; replaces arginine 239 with cysteine.
Molecular consequence: missense variant.
Genome position (GRCh38, 1-based): chr17:17,222,565, G>A on the plus strand (C>T on the coding strand, the complement: FLCN is on the minus strand). VCF-style: chr17-17222565-G-A. GRCh37 (hg19) VCF-style: chr17-17125879-G-A.
Other names: c.715C>T (NM_144997.6, LRG_325t1); c.769C>T, p.Arg257Cys (NM_001353229.2); c.715C>T, p.Arg239Cys (NM_001353230.2, NM_001353231.2, NM_144606.7); short protein forms R239C, R257C.
Identifiers: ClinVar variation 134427 (VCV000134427.63), dbSNP rs78683075, ClinGen allele CA159776.
Genomic context (GRCh38, chr17:17,222,565, plus strand): 5'-CAAAGGAGGTGTGCAGGCACGCCCACAGGTTGTCATCACTTGTCAGCGATGTCAGCGAGC[G>A]GGCGGCGTTGCCGTTCCTCTGGTGTAGGAATGGCGTGAAGGCTGTGTTCATCCTCTGAGC-3'
Protein context (NP_659434.2, residues 229-249): FLHQRNGNAA[Arg239Cys]SLTSLTSDDN

ClinVar aggregate classification (germline): Conflicting classifications of pathogenicity. Review status: criteria provided, conflicting classifications (1 of 4 stars). 18 submissions from 18 submitters: Uncertain significance (8); Benign (1); Likely benign (7). 2 of the submissions do not count toward it. Last evaluated 2026-04-30.

Conditions:
FLCN-related disorder. Also called: FLCN-related condition.
Birt-Hogg-Dube syndrome 1 (BHD1). Also called: FIBROFOLLICULOMAS WITH TRICHODISCOMAS AND ACROCHORDONS. Identifiers: Orphanet 122, MedGen CN375946, MONDO:0800445, OMIM 135150.
Hereditary cancer-predisposing syndrome. Also called: Tumor predisposition; Hereditary neoplastic syndrome; Hereditary Cancer Syndrome; Neoplastic Syndromes, Hereditary. Identifiers: Orphanet 140162, MedGen C0027672, MeSH D009386, MONDO:0015356.
Birt-Hogg-Dube syndrome. Also called: Birt Hogg Dubé syndrome. Identifiers: Orphanet 122, MedGen C0346010, MONDO:0800444.

Allele frequency attached by ClinVar (database versions not stated): TOPMed 0.00023; gnomAD 0.00024 and 0.00025; ExAC 0.00025; gnomAD exomes 0.00026; ESP Exome Variant Server 0.00046; 1000 Genomes Project 30x 0.00047; 1000 Genomes Project 0.00060.
gnomAD v4.1: 707 of 1,614,232 alleles (0.044%); highest among the groups gnomAD compares: Non-Finnish European, 0.056%; 1 homozygote.

Submissions (18):

Myriad Genetics, Inc.
Classification: Likely benign for Birt-Hogg-Dube syndrome 1. Last evaluated: 2026-04-30. Review status: criteria provided, single submitter. Criteria: Myriad Autosomal Dominant, Autosomal Recessive and X-Linked Classification Criteria (2023). Collection method: clinical testing. Allele origin: unknown.
Comment: This variant is considered likely benign. Homozygosity has been confirmed in one or more individuals. As homozygosity for pathogenic variants in this gene is generally assumed to result in embryonic lethality, this variant is unlikely to be pathogenic.

Labcorp Genetics (formerly Invitae), Labcorp
Classification: Likely benign for Birt-Hogg-Dube syndrome. Last evaluated: 2026-02-03. Review status: criteria provided, single submitter. Criteria: Invitae Variant Classification Sherloc (09022015). Collection method: clinical testing. Allele origin: germline.

Women's Health and Genetics/Laboratory Corporation of America, LabCorp
Classification: Likely benign. Last evaluated: 2025-11-13. Review status: criteria provided, single submitter. Criteria: LabCorp Variant Classification Summary - May 2015. Collection method: clinical testing. Allele origin: germline.
Comment: Variant summary: FLCN c.715C>T (p.Arg239Cys) results in a non-conservative amino acid change in the encoded protein sequence. Algorithms developed to predict the effect of missense changes on protein structure and function all suggest that this variant is likely to be disruptive. The variant allele was found at a frequency of 0.00026 in 251378 control chromosomes. The observed variant frequency exceeds the estimated maximal expected allele frequency for disease-causing variants in FLCN. c.715C>T has been observed in individual(s) affected with features of Birt-Hogg-Dube Syndrome (e.g. Woodwad_2008, Whitworth_2016). These report(s) do not provide unequivocal conclusions about association of the variant with Birt-Hogg-Dube Syndrome. At least one publication reports experimental evidence evaluating an impact on protein function, however, does not allow convincing conclusions about the variant effect (Clausen_2020). The following publications have been ascertained in the context of this evaluation (PMID: 33137092, 26659639, 18794106). ClinVar contains an entry for this variant (Variation ID: 134427). Based on the evidence outlined above, the variant was classified as likely benign.

Center for Genomic Medicine, Rigshospitalet, Copenhagen University Hospital
Classification: Uncertain significance. Last evaluated: 2025-03-04. Review status: criteria provided, single submitter. Criteria: ACMG Guidelines, 2015. Collection method: clinical testing. Allele origin: germline.

Quest Diagnostics Nichols Institute San Juan Capistrano
Classification: Uncertain significance. Last evaluated: 2025-02-07. Review status: criteria provided, single submitter. Criteria: Quest Diagnostics criteria. Collection method: clinical testing. Allele origin: unknown.
Comment: The FLCN c.715C>T (p.Arg239Cys) variant has been reported in the published literature in individuals with Birt-Hogg-Dube (BHD) syndrome (PMID: 36291753 (2022), 23155228 (2012), 18794106 (2008)), rectal adenocarcinoma (PMID: 26659639 (2016)), and breast cancer (PMID: 32091409 (2020)). This variant has also been identified in reportedly healthy individuals (PMID: 25637381 (2015), 24728327 (2014)). In addition, functional studies in the published literature demonstrate that this variant is damaging to protein stability and reduced protein levels due to proteasomal degradation (PMID: 33137092 (2020) and 21538689 (2011)). The frequency of this variant in the general population (Genome Aggregation Database) is higher than would generally be expected for pathogenic variants in this gene. Based on the available information, we are unable to determine the clinical significance of this variant.

Blueprint Genetics
Classification: Likely benign. Last evaluated: 2024-09-19. Review status: criteria provided, single submitter. Criteria: ACMG Guidelines, 2015. Collection method: clinical testing. Allele origin: germline.

Mayo Clinic Laboratories, Mayo Clinic
Classification: Uncertain significance. Last evaluated: 2024-06-25. Review status: criteria provided, single submitter. Criteria: ACMG Guidelines, 2015. Collection method: clinical testing. Allele origin: germline. Observed: 1 variant allele.
Comment: PP3

Mendelics
Classification: Benign for Birt-Hogg-Dube syndrome 1. Last evaluated: 2023-08-22. Review status: criteria provided, single submitter. Criteria: Mendelics Assertion Criteria 2019. Collection method: clinical testing. Allele origin: germline.

CeGaT Center for Human Genetics Tuebingen
Classification: Uncertain significance. Last evaluated: 2023-02-01. Review status: criteria provided, single submitter. Criteria: CeGaT Center For Human Genetics Tuebingen Variant Classification Criteria Version 2. Collection method: clinical testing. Allele origin: germline. Affected: yes. Observed: 1 variant allele.
Comment: FLCN: PP3

Institute for Clinical Genetics, University Hospital TU Dresden, University Hospital TU Dresden
Classification: Uncertain significance. Last evaluated: 2021-11-03. Review status: criteria provided, single submitter. Criteria: ACMG Guidelines, 2015. Collection method: clinical testing. Allele origin: germline.

Sema4
Classification: Uncertain significance for Hereditary cancer-predisposing syndrome. Last evaluated: 2021-10-13. Review status: criteria provided, single submitter. Criteria: Sema4 Curation Guidelines. Collection method: curation. Allele origin: germline.
Comment: The FLCN c.715C>T (p.R239C) variant has been reported in heterozygosity in at least 2 individuals - one with clear cell renal carcinoma, and another with rectal adenocarcinoma, gastroesophageal adenocarcinoma, and left kidney tumor (PMID: 18794106, 26659639). It has also been reported in healthy individuals (PMID: 24728327). Functional studies have shown that this variant alters the protein stability, expression, and ability to stabilize interacting proteins (PMID: 21538689, 33137092). These data are supported by in silico tools, which predict the variant to be deleterious to protein function. This variant was observed in 64/129096 chromosomes in the European (non-Finnish) population, with no homozygotes, according to the Genome Aggregation Database (PMID: 32461654), and has been reported in ClinVar (Variation ID 134427). The overall evidence is inconsistent with ACMG/AMP requirements for a classification of benign or pathogenic. In summary, the clinical significance of this variant is currently uncertain.

GeneDx
Classification: Likely benign. Last evaluated: 2021-05-13. Review status: criteria provided, single submitter. Criteria: GeneDx Variant Classification Process June 2021. Collection method: clinical testing. Allele origin: germline. Affected: yes.
Comment: In silico analysis supports that this missense variant has a deleterious effect on protein structure/function; Observed in individuals with FLCN-related tumors and other cancers (Woodward 2008, Whitworth 2016, Melloni 2017); Also known as c.1213C>T; This variant is associated with the following publications: (PMID: 23784378, 26608100, 25637381, 28873162, 20981092, 21538689, 24055113, 19802896, 19562744, 23155228, 26334087, 23217326, 23820649, 26659639, 23414156, 24728327, 28569218, 18794106, 28785590, 29357828, 28970150, 33137092, 33858678)

Ambry Genetics
Classification: Likely benign for Hereditary cancer-predisposing syndrome. Last evaluated: 2019-05-03. Review status: criteria provided, single submitter. Criteria: Ambry Variant Classification Scheme 2023. Collection method: clinical testing. Allele origin: germline.

Illumina Laboratory Services, Illumina
Classification: Likely benign for Birt-Hogg-Dube syndrome 1. Last evaluated: 2017-04-27. Review status: criteria provided, single submitter. Criteria: ICSL Variant Classification Criteria 13 December 2019. Collection method: clinical testing. Allele origin: germline.
Comment: This variant was observed as part of a predisposition screen in an ostensibly healthy population. A literature search was performed for the gene, cDNA change, and amino acid change (where applicable). Publications were found based on this search. The evidence from the literature, in combination with allele frequency data from public databases where available, was sufficient to determine this variant is unlikely to cause disease. Therefore, this variant is classified as likely benign.

Genomic Diagnostic Laboratory, Division of Genomic Diagnostics, Children's Hospital of Philadelphia
Classification: Uncertain significance for Birt-Hogg-Dube Syndrome. Last evaluated: 2016-07-18. Review status: criteria provided, single submitter. Criteria: DGD Variant Analysis Guidelines. Collection method: clinical testing. Allele origin: germline. Affected: yes. Observed: 1 variant allele.
Comment: Clinical Testing

CSER _CC_NCGL, University of Washington
Classification: Uncertain significance for Birt-Hogg-Dube syndrome 1. Last evaluated: 2015-12-01. Review status: criteria provided, single submitter. Criteria: Amendola et al. (Genome Res. 2015). Collection method: research. Allele origin: germline. Inheritance: Autosomal dominant inheritance. Study: ESP 6500 variant annotation.
Comment: No known history of other clinical features of Birt-Hogg-Dube syndrome. .GERP=5.710.ExAC Alt Allele Frequencies=AFR:0.0192%,NFE:0.0345%,EAS:0.0%,SAS:0.0121%,FIN:0.0%,AMR:0.0087%,OTH:0.22%.The variant was found in publications with the following PMIDs:18794106;20981092;25637381;24728327;24055113;21538689;

Variants classified for the Actionable exomic incidental findings in 6503 participants: challenges of variant classification manuscript

PreventionGenetics, part of Exact Sciences
Classification: Likely benign for FLCN-related condition. Last evaluated: 2024-01-08. Review status: no assertion criteria provided. Collection method: clinical testing. Allele origin: germline. Not counted in ClinVar's aggregate classification.
Comment: This variant is classified as likely benign based on ACMG/AMP sequence variant interpretation guidelines (Richards et al. 2015 PMID: 25741868, with internal and published modifications).

ITMI
No classification provided. Condition: AllHighlyPenetrant. Last evaluated: 2013-09-19. Review status: no classification provided. Collection method: reference population. Allele origin: germline. Not counted in ClinVar's aggregate classification.
Comment: Please see associated publication for description of ethnicities

Literature cited by the submitters: PubMed 26659639 (cited by 4 submitters); PubMed 33137092 (cited by 5 submitters); PubMed 18794106 (cited by 7 submitters); PubMed 36291753 (cited by Center for Genomic Medicine, Rigshospitalet, Copenhagen University Hospital and Quest Diagnostics Nichols Institute San Juan Capistrano); PubMed 21538689 (cited by 5 submitters); PubMed 24055113 (cited by Quest Diagnostics Nichols Institute San Juan Capistrano and Mayo Clinic Laboratories, Mayo Clinic); PubMed 35691222 (cited by Quest Diagnostics Nichols Institute San Juan Capistrano); PubMed 34433815 (cited by Quest Diagnostics Nichols Institute San Juan Capistrano); PubMed 32091409 (cited by Quest Diagnostics Nichols Institute San Juan Capistrano); PubMed 31911633 (cited by Quest Diagnostics Nichols Institute San Juan Capistrano); PubMed 25637381 (cited by 3 submitters); PubMed 24728327 (cited by 4 submitters); PubMed 23217326 (cited by 3 submitters); PubMed 23155228 (cited by Quest Diagnostics Nichols Institute San Juan Capistrano and Ambry Genetics); PubMed 29357828 (cited by Quest Diagnostics Nichols Institute San Juan Capistrano); PubMed 19802896 (cited by Quest Diagnostics Nichols Institute San Juan Capistrano).